The following is an entry in ClinVar:

ClinVar aggregate classification (germline): Uncertain significance. Review status: criteria provided, multiple submitters, no conflicts (2 of 4 stars). 2 submissions from 2 submitters: Uncertain significance (2). Last evaluated 2022-10-18.

Conditions:
Hereditary factor VIII deficiency disease (HEMA). Also called: HEMOPHILIA, CLASSIC; AUTOSOMAL HEMOPHILIA A; Hemophilia A; Hemophilia A, congenital; HEM A; Factor 8 deficiency, congenital. Identifiers: Orphanet 98878, MedGen C0019069, MONDO:0010602, OMIM 306700.

Allele frequency attached by ClinVar (database versions not stated): gnomAD exomes below 0.00001 and 0.00001; ExAC 0.00001; gnomAD 0.00001.

Submissions (2):

Genetics and Molecular Pathology, SA Pathology
Classification: Uncertain significance for Hereditary factor VIII deficiency disease. Last evaluated: 2022-10-18. Review status: criteria provided, single submitter. Criteria: ACMG Guidelines, 2015. Collection method: clinical testing. Allele origin: germline. Affected: yes.
Comment: The F8 c.456C>G variant is a single nucleotide change in exon 4/26 of the F8 gene, which is predicted to change the amino acid serine at position 152 in the protein to arginine. The variant is rare in population databases (gnomAD allele frequency = 0.00089%; 1 het and 0 hom in 112181 sequenced alleles; highest frequency = 0.027%, East Asian population) (PM2). The variant has been reported in dbSNP (rs781912033) and has been reported as Uncertain significance by other diagnostic laboratories (ClinVar Variation ID: 1309796). In silico pathogenicity predictors do not support a pathogenic effect. It has not been reported in HGMD.

GeneDx
Classification: Uncertain significance. Last evaluated: 2019-11-09. Review status: criteria provided, single submitter. Criteria: GeneDx Variant Classification Process June 2021. Collection method: clinical testing. Allele origin: germline. Affected: yes.
Comment: In silico analysis, which includes protein predictors and evolutionary conservation, supports a deleterious effect; Has not been previously published as pathogenic or benign to our knowledge

NM_000132.4(F8):c.456C>G (p.Ser152Arg)

Gene: F8 (coagulation factor VIII; minus strand). Cytogenetic location: Xq28.
Variant type: single nucleotide variant.
Coding change: c.456C>G on transcript NM_000132.4 (MANE Select); coding-DNA position 456, C replaced by G.
Protein change: p.Ser152Arg; replaces serine 152 with arginine.
Molecular consequence: missense variant.
Genome position (GRCh38, 1-based): chrX:154,993,081, G>C on the plus strand (C>G on the coding strand, the complement: F8 is on the minus strand). VCF-style: chrX-154993081-G-C. GRCh37 (hg19) VCF-style: chrX-154221356-G-C.
Other names: short protein forms S152R.
Identifiers: ClinVar variation 1309796 (VCV001309796.3), dbSNP rs781912033, ClinGen allele CA10568583.